The following is an entry in ClinVar:

NM_001164508.2(NEB):c.10452+5G>A

Gene: NEB (nebulin; minus strand). Cytogenetic location: 2q23.3.
Variant type: single nucleotide variant.
Coding change: c.10452+5G>A on transcript NM_001164508.2 (MANE Select); 5 bases into the intron after coding-DNA position 10452, G replaced by A.
Molecular consequence: intron variant.
Genome position (GRCh38, 1-based): chr2:151,625,529, C>T on the plus strand (G>A on the coding strand, the complement: NEB is on the minus strand). VCF-style: chr2-151625529-C-T. GRCh37 (hg19) VCF-style: chr2-152482043-C-T.
Other names: c.9723+5G>A (NM_004543.5); c.10452+5G>A (NM_001164507.2, NM_001271208.2).
Identifiers: ClinVar variation 664084 (VCV000664084.7), dbSNP rs370685957, ClinGen allele CA57645679.

ClinVar aggregate classification (germline): Uncertain significance. Review status: criteria provided, single submitter (1 of 4 stars). 2 submissions from 2 submitters: Uncertain significance (1). 1 of the submissions does not count toward it. Last evaluated 2022-07-06.

Conditions:
Nemaline myopathy 2 (NEM2). Also called: Nemaline myopathy 2, autosomal recessive. Identifiers: MedGen C1850569, MONDO:0009725, OMIM 256030.

Allele frequency attached by ClinVar (database versions not stated): gnomAD 0.00002.
gnomAD v4.1: 4 of 1,568,426 alleles (0.00026%); highest among the groups gnomAD compares: Admixed American, 0.0068%; no homozygotes.

Submissions (2):

Labcorp Genetics (formerly Invitae), Labcorp
Classification: Uncertain significance for Nemaline myopathy 2. Last evaluated: 2022-07-06. Review status: criteria provided, single submitter. Criteria: Invitae Variant Classification Sherloc (09022015). Collection method: clinical testing. Allele origin: germline.
Comment: This sequence change falls in intron 71 of the NEB gene. It does not directly change the encoded amino acid sequence of the NEB protein. It affects a nucleotide within the consensus splice site. This variant is not present in population databases (gnomAD no frequency). This variant has not been reported in the literature in individuals affected with NEB-related conditions. ClinVar contains an entry for this variant (Variation ID: 664084). Variants that disrupt the consensus splice site are a relatively common cause of aberrant splicing (PMID: 17576681, 9536098). Algorithms developed to predict the effect of sequence changes on RNA splicing suggest that this variant may disrupt the consensus splice site. In summary, the available evidence is currently insufficient to determine the role of this variant in disease. Therefore, it has been classified as a Variant of Uncertain Significance.

Natera, Inc.
Classification: Uncertain significance for Nemaline myopathy type 2. Last evaluated: 2020-11-19. Review status: no assertion criteria provided. Collection method: clinical testing. Allele origin: germline. Not counted in ClinVar's aggregate classification.

Literature cited by the submitters: PubMed 17576681 (cited by Labcorp Genetics (formerly Invitae), Labcorp); PubMed 9536098 (cited by Labcorp Genetics (formerly Invitae), Labcorp).